The following is an entry in ClinVar:

ClinVar aggregate classification (germline): Uncertain significance. Review status: criteria provided, multiple submitters, no conflicts (2 of 4 stars). 2 submissions from 2 submitters: Uncertain significance (2). Last evaluated 2025-12-16.

Conditions:
Autoinflammatory syndrome. Identifiers: Orphanet 93665, MedGen C3890737, MONDO:0019751.
Pityriasis rubra pilaris (PRP). Also called: Pityriasis rubra pilaris--familial type. Identifiers: Orphanet 2897, MedGen C0032027, MONDO:0100017, OMIM 173200, MONDO:0008251.
Psoriasis 2. Identifiers: MedGen C1864497, MONDO:0011269, OMIM 602723.

Allele frequency attached by ClinVar (database versions not stated): gnomAD 0.00001; TOPMed 0.00002.
gnomAD v4.1: 8 of 1,613,722 alleles (0.0005%); highest among the groups gnomAD compares: African/African-American, 0.004%; no homozygotes.

Submissions (2):

Labcorp Genetics (formerly Invitae), Labcorp
Classification: Uncertain significance for Pityriasis rubra pilaris; Psoriasis 2. Last evaluated: 2025-12-16. Review status: criteria provided, single submitter. Criteria: Invitae Variant Classification Sherloc (09022015). Collection method: clinical testing. Allele origin: germline.
Comment: This sequence change replaces lysine, which is basic and polar, with asparagine, which is neutral and polar, at codon 839 of the CARD14 protein (p.Lys839Asn). This variant is not present in population databases (gnomAD no frequency). This variant has not been reported in the literature in individuals affected with CARD14-related conditions. ClinVar contains an entry for this variant (Variation ID: 576948). Invitae Evidence Modeling of protein sequence and biophysical properties (such as structural, functional, and spatial information, amino acid conservation, physicochemical variation, residue mobility, and thermodynamic stability) has been performed for this missense variant. However, the output from this modeling did not meet the statistical confidence thresholds required to predict the impact of this variant on CARD14 protein function. In summary, the available evidence is currently insufficient to determine the role of this variant in disease. Therefore, it has been classified as a Variant of Uncertain Significance.

Genome Diagnostics Laboratory, The Hospital for Sick Children
Classification: Uncertain significance for Autoinflammatory syndrome. Last evaluated: 2016-12-20. Review status: criteria provided, single submitter. Criteria: ACMG Guidelines, 2015. Collection method: clinical testing. Allele origin: germline. Affected: yes.

NM_001366385.1(CARD14):c.2517G>C (p.Lys839Asn)

Genes: CARD14 (caspase recruitment domain family member 14; plus strand), SGSH (N-sulfoglucosamine sulfohydrolase; minus strand), LOC126862662 (MED14-independent group 3 enhancer GRCh37_chr17:78178385-78179584; plus strand). Cytogenetic location: 17q25.3.
Variant type: single nucleotide variant.
Coding change: c.2517G>C on transcript NM_001366385.1 (MANE Select); coding-DNA position 2517, G replaced by C.
Protein change: p.Lys839Asn; replaces lysine 839 with asparagine.
Molecular consequence: missense variant. On other transcripts: non-coding transcript variant (1).
Genome position (GRCh38, 1-based): chr17:80,205,153, G>C. VCF-style: chr17-80205153-G-C. GRCh37 (hg19) VCF-style: chr17-78178952-G-C.
Other names: c.2517G>C, p.Lys839Asn (NM_024110.4); short protein forms K839N.
Identifiers: ClinVar variation 576948 (VCV000576948.15), dbSNP rs950950885, ClinGen allele CA294883200.
Genomic context (GRCh38, chr17:80,205,153, plus strand): 5'-GCGGCCCCATCGACCCGCCCGGCCCCGGCCTGTGCTCCTCGTGCCCAGGGCGGTTGGGAA[G>C]ATCCTGAGCGAGAAACTGTGCCTCCTCCAAGGGTTTAAGAAGTGCCTGGCAGGTATGCTG-3'
Protein context (NP_001353314.1, residues 829-849): PVLLVPRAVG[Lys839Asn]ILSEKLCLLQ